The following is an entry in ClinVar:

ClinVar aggregate classification (germline): Uncertain significance. Review status: criteria provided, multiple submitters, no conflicts (2 of 4 stars). 2 submissions from 2 submitters: Uncertain significance (2). Last evaluated 2025-12-14.

Submissions (2):

Dasa
Classification: Uncertain significance. Last evaluated: 2025-12-14. Review status: criteria provided, single submitter. Criteria: DASA Assertion Criteria. Collection method: clinical testing. Allele origin: germline.
Comment: NM_004380.3(CREBBP):c.254G>A (p.Gly85Glu) is a missense variant that results in the substitution of glycine with glutamic acid. This variant is rare in population databases. Computational prediction algorithms are consistent with a benign effect. The currently available literature and clinical evidence are not sufficient to establish a definitive association between this variant and the reported condition. Therefore, this variant is classified as a variant of uncertain significance.

CeGaT Center for Human Genetics Tuebingen
Classification: Uncertain significance. Last evaluated: 2021-11-01. Review status: criteria provided, single submitter. Criteria: CeGaT Center For Human Genetics Tuebingen Variant Classification Criteria Version 2. Collection method: clinical testing. Allele origin: germline. Affected: yes. Observed: 1 variant allele.

NM_004380.3(CREBBP):c.254G>A (p.Gly85Glu)

Gene: CREBBP (CREB binding lysine acetyltransferase; minus strand). Cytogenetic location: 16p13.3.
Variant type: single nucleotide variant.
Coding change: c.254G>A on transcript NM_004380.3 (MANE Select); coding-DNA position 254, G replaced by A.
Protein change: p.Gly85Glu; replaces glycine 85 with glutamic acid.
Molecular consequence: missense variant.
Genome position (GRCh38, 1-based): chr16:3,850,841, C>T on the plus strand (G>A on the coding strand, the complement: CREBBP is on the minus strand). VCF-style: chr16-3850841-C-T. GRCh37 (hg19) VCF-style: chr16-3900842-C-T.
Other names: c.254G>A, p.Gly85Glu (NM_001079846.1); short protein forms G85E.
Identifiers: ClinVar variation 1335205 (VCV001335205.37), dbSNP rs2141495853, ClinGen allele CA394561857.